The following is an entry in ClinVar:

NM_004448.4(ERBB2):c.3337A>G (p.Ser1113Gly)

Gene: ERBB2 (erb-b2 receptor tyrosine kinase 2; plus strand). Cytogenetic location: 17q12.
Variant type: single nucleotide variant.
Coding change: c.3337A>G on transcript NM_004448.4 (MANE Select); coding-DNA position 3337, A replaced by G.
Protein change: p.Ser1113Gly; replaces serine 1113 with glycine.
Molecular consequence: missense variant. On other transcripts: non-coding transcript variant (1), intron variant (2).
Genome position (GRCh38, 1-based): chr17:39,727,472, A>G. VCF-style: chr17-39727472-A-G. GRCh37 (hg19) VCF-style: chr17-37883725-A-G.
Other names: c.3247A>G, p.Ser1083Gly (NM_001005862.3, NM_001382782.1, NM_001382783.1); c.3292A>G, p.Ser1098Gly (NM_001289936.2); c.3454A>G, p.Ser1152Gly (NM_001382784.1); c.3439A>G, p.Ser1147Gly (NM_001382785.1); c.3418A>G, p.Ser1140Gly (NM_001382786.1); c.3412A>G, p.Ser1138Gly (NM_001382787.1); c.3367A>G, p.Ser1123Gly (NM_001382788.1); c.3358A>G, p.Ser1120Gly (NM_001382789.1); and 17 more; short protein forms S1061G, S1084G, S1099G, S1113G, S1138G, S796G, S837G, S1051G.
Identifiers: ClinVar variation 1425837 (VCV001425837.6), dbSNP rs764220279, ClinGen allele CA8534525.

ClinVar aggregate classification (germline): Uncertain significance (1 of 4 stars; one submission).

Allele frequency attached by ClinVar (database versions not stated): ExAC 0.00001; gnomAD exomes 0.00001.
gnomAD v4.1: 21 of 1,607,804 alleles (0.0013%); highest among the groups gnomAD compares: Middle Eastern, 0.05%; no homozygotes.

Submission:

Labcorp Genetics (formerly Invitae), Labcorp
Classification: Uncertain significance. Last evaluated: 2022-04-12. Review status: criteria provided, single submitter. Criteria: Invitae Variant Classification Sherloc (09022015). Collection method: clinical testing. Allele origin: germline.
Comment: This variant is present in population databases (rs764220279, gnomAD 0.003%). In summary, the available evidence is currently insufficient to determine the role of this variant in disease. Therefore, it has been classified as a Variant of Uncertain Significance. Algorithms developed to predict the effect of sequence changes on RNA splicing suggest that this variant may create or strengthen a splice site. Algorithms developed to predict the effect of missense changes on protein structure and function are either unavailable or do not agree on the potential impact of this missense change (SIFT: "Tolerated"; PolyPhen-2: "Possibly Damaging"; Align-GVGD: "Class C0"). This variant has not been reported in the literature in individuals affected with ERBB2-related conditions. This sequence change replaces serine, which is neutral and polar, with glycine, which is neutral and non-polar, at codon 1113 of the ERBB2 protein (p.Ser1113Gly).